The following is an entry in ClinVar:

ClinVar aggregate classification (germline): Uncertain significance (0 of 4 stars; one submission).

Conditions:
AFF4-related disorder. Also called: AFF4-related condition.

Submission:

PreventionGenetics, part of Exact Sciences
Classification: Uncertain significance for AFF4-related condition. Last evaluated: 2024-07-04. Review status: no assertion criteria provided. Collection method: clinical testing. Allele origin: germline.
Comment: The AFF4 c.2486G>A variant is predicted to result in the amino acid substitution p.Gly829Asp. To our knowledge, this variant has not been reported in the literature or in a large population database, indicating this variant is rare. At this time, the clinical significance of this variant is uncertain due to the absence of conclusive functional and genetic evidence.

NM_014423.4(AFF4):c.2486G>A (p.Gly829Asp)

Gene: AFF4 (ALF transcription elongation factor 4; minus strand). Cytogenetic location: 5q31.1.
Variant type: single nucleotide variant.
Coding change: c.2486G>A on transcript NM_014423.4 (MANE Select); coding-DNA position 2486, G replaced by A.
Protein change: p.Gly829Asp; replaces glycine 829 with aspartic acid.
Molecular consequence: missense variant.
Genome position (GRCh38, 1-based): chr5:132,892,315, C>T on the plus strand (G>A on the coding strand, the complement: AFF4 is on the minus strand). VCF-style: chr5-132892315-C-T. GRCh37 (hg19) VCF-style: chr5-132228007-C-T.
Other names: short protein forms G829D.
Identifiers: ClinVar variation 3344481 (VCV003344481.1).